The following is an entry in ClinVar:

NM_004629.2(FANCG):c.303del (p.Arg102fs)

Gene: FANCG (FA complementation group G; minus strand). Cytogenetic location: 9p13.3.
Variant type: Deletion.
Coding change: c.303del on transcript NM_004629.2 (MANE Select); coding-DNA position 303, one base deleted (G; older notation c.303delG).
Protein change: p.Arg102fs; shifts the reading frame from arginine 102.
Molecular consequence: frameshift variant.
Genome position (GRCh38, 1-based): chr9:35,078,609, C deleted on the plus strand (G on the coding strand, the reverse complement: FANCG is on the minus strand). VCF-style (leftmost placement, unchanged base first): chr9-35078608-TC-T. GRCh37 (hg19) VCF-style: chr9-35078605-TC-T.
Other names: c.303delG, p.Arg102Glufs (NM_004629.1); short protein forms R102fs.
Identifiers: ClinVar variation 4068060 (VCV004068060.2).

ClinVar aggregate classification (germline): Likely pathogenic (1 of 4 stars; one submission).

Conditions:
Fanconi anemia complementation group G. Also called: Fanconi anemia group G; FANCG-Related Fanconi Anemia. Identifiers: Orphanet 84, MedGen C3469527, MONDO:0013565, OMIM 614082.

Submission:

Natera, Inc.
Classification: Likely pathogenic for Fanconi anemia group G. Last evaluated: 2025-02-13. Review status: criteria provided, single submitter. Criteria: Natera Variant Classification Schema (03/2026). Collection method: clinical testing. Allele origin: germline.
Comment: The c.303del variant in FANCG is a frameshift variant predicted to shift the reading frame beginning at codon 102 and leads to a stop codon 50 codons downstream. This variant is expected to result in nonsense mediated decay, truncation, or a dysfunctional protein product. This variant is rare in the general population with a frequency below the threshold expected for the associated phenotype(s). Given the available evidence, this variant is classified as Likely Pathogenic.